The following is an entry in ClinVar:

ClinVar aggregate classification (germline): Uncertain significance (1 of 4 stars; one submission).

Conditions:
ACADVL-related disorder. Also called: ACADVL-related condition.

Submission:

PreventionGenetics, part of Exact Sciences
Classification: Uncertain significance for ACADVL-related condition. Last evaluated: 2026-09-08. Review status: criteria provided, single submitter. Criteria: ACMG Guidelines, 2015. Collection method: clinical testing. Allele origin: germline.
Comment: The ACADVL c.478-118_478-102dup17 variant is predicted to result in an intronic duplication. To our knowledge, this variant has not been reported in the literature or in a large population database (gnomAD), indicating this variant is rare. Although we suspect that this variant may be benign, at this time, the clinical significance of this variant is uncertain due to the absence of conclusive functional and genetic evidence.

NM_000018.4(ACADVL):c.478-118_478-102dup

Gene: ACADVL (acyl-CoA dehydrogenase very long chain; plus strand). Cytogenetic location: 17p13.1.
Variant type: Duplication.
Coding change: c.478-118_478-102dup on transcript NM_000018.4 (MANE Select); 118 bases into the intron before coding-DNA position 478 through 102 bases into the intron before coding-DNA position 478, 17 bases duplicated (CACTGCCCTAGGTCAGG).
Molecular consequence: intron variant.
Genome position (GRCh38, 1-based): chr17:7,221,420-7,221,436, CACTGCCCTAGGTCAGG duplicated; duplicating any 17 consecutive bases within chr17:7,221,412-7,221,436 gives the same sequence; the c. name uses the placement nearest the transcript's 3' end. VCF-style (leftmost placement, unchanged base first): chr17-7221411-C-CAGGTCAGGCACTGCCCT. GRCh37 (hg19) VCF-style: chr17-7124730-C-CAGGTCAGGCACTGCCCT.
Other names: c.547-118_547-102dup (NM_001270447.2); c.250-118_250-102dup (NM_001270448.2); c.412-118_412-102dup (NM_001033859.3).
Identifiers: ClinVar variation 4981708 (VCV004981708.1).